The following is an entry in ClinVar:

ClinVar aggregate classification (germline): Benign. Review status: criteria provided, multiple submitters, no conflicts (2 of 4 stars). 10 submissions from 10 submitters: Benign (8). 2 of the submissions do not count toward it. Last evaluated 2026-02-04.

Conditions:
Microcephaly 1, primary, autosomal recessive (MCPH1). Also called: PREMATURE CHROMOSOME CONDENSATION SYNDROME; PCC SYNDROME; PREMATURE CHROMOSOME CONDENSATION WITH MICROCEPHALY AND MENTAL RETARDATION. Identifiers: Orphanet 2512, MedGen C1855081, MONDO:0009617, OMIM 251200.

Allele frequency attached by ClinVar (database versions not stated): gnomAD exomes 0.04129 and 0.07949; ExAC 0.08521; ESP Exome Variant Server 0.13472; gnomAD 0.14500 and 0.14726; TOPMed 0.15774; 1000 Genomes Project 0.20807; 1000 Genomes Project 30x 0.20971.
gnomAD v4.1: 83,800 of 1,614,124 alleles (5.2%); highest among the groups gnomAD compares: African/African-American, 42%; 8,961 homozygotes.

Submissions (10):

Labcorp Genetics (formerly Invitae), Labcorp
Classification: Benign. Last evaluated: 2026-02-04. Review status: criteria provided, single submitter. Criteria: Invitae Variant Classification Sherloc (09022015). Collection method: clinical testing. Allele origin: germline.

Blueprint Genetics
Classification: Benign. Last evaluated: 2024-11-27. Review status: criteria provided, single submitter. Criteria: ACMG Guidelines, 2015. Collection method: clinical testing. Allele origin: germline.

Illumina Laboratory Services, Illumina
Classification: Benign for Microcephaly 1, primary, autosomal recessive. Last evaluated: 2018-01-13. Review status: criteria provided, single submitter. Criteria: ICSL Variant Classification Criteria 13 December 2019. Collection method: clinical testing. Allele origin: germline.
Comment: This variant was observed in the ICSL laboratory as part of a predisposition screen in an ostensibly healthy population. It had not been previously curated by ICSL or reported in the Human Gene Mutation Database (HGMD: prior to June 1st, 2018), and was therefore a candidate for classification through an automated scoring system. Utilizing variant allele frequency, disease prevalence and penetrance estimates, and inheritance mode, an automated score was calculated to assess if this variant is too frequent to cause the disease. Based on the score and internal cut-off values, a variant classified as benign is not then subjected to further curation. The score for this variant resulted in a classification of benign for this disease.

GeneDx
Classification: Benign. Last evaluated: 2015-03-03. Review status: criteria provided, single submitter. Criteria: GeneDx Variant Classification Process June 2021. Collection method: clinical testing. Allele origin: germline. Affected: yes.

Eurofins Ntd Llc (ga)
Classification: Benign. Last evaluated: 2014-12-20. Review status: criteria provided, single submitter. Criteria: EGL Classification Definitions 2015. Collection method: clinical testing. Allele origin: germline. Observed: 2 variant alleles, 1 heterozygote, 1 homozygote.

Genetic Services Laboratory, University of Chicago
Classification: Benign. Last evaluated: 2013-02-08. Review status: criteria provided, single submitter. Criteria: ACMG Guidelines, 2007. Collection method: clinical testing. Allele origin: germline. Inheritance: Autosomal recessive inheritance.

Breakthrough Genomics
Classification: Benign. Review status: criteria provided, single submitter. Criteria: ACMG Guidelines, 2015. Collection method: not provided. Allele origin: germline. Inheritance: Autosomal recessive inheritance. Affected: yes.

PreventionGenetics, part of Exact Sciences
Classification: Benign. Review status: criteria provided, single submitter. Criteria: ACMG Guidelines, 2015. Collection method: clinical testing. Allele origin: germline.

Clinical Genetics DNA and cytogenetics Diagnostics Lab, Erasmus MC, Erasmus Medical Center
Classification: Benign. Review status: no assertion criteria provided. Collection method: clinical testing. Allele origin: germline. Affected: yes. Study: VKGL Data-share Consensus. Not counted in ClinVar's aggregate classification.

Joint Genome Diagnostic Labs from Nijmegen and Maastricht, Radboudumc and MUMC+
Classification: Benign. Review status: no assertion criteria provided. Collection method: clinical testing. Allele origin: germline. Affected: yes. Study: VKGL Data-share Consensus. Not counted in ClinVar's aggregate classification.

NM_024596.5(MCPH1):c.1428C>T (p.Phe476=)

Gene: MCPH1 (microcephalin 1; plus strand). Cytogenetic location: 8p23.1.
Variant type: single nucleotide variant.
Coding change: c.1428C>T on transcript NM_024596.5 (MANE Select); coding-DNA position 1428, C replaced by T.
Protein change: p.Phe476=; no amino-acid change (phenylalanine 476 retained).
Molecular consequence: synonymous variant. On other transcripts: non-coding transcript variant (1).
Genome position (GRCh38, 1-based): chr8:6,445,150, C>T. VCF-style: chr8-6445150-C-T. GRCh37 (hg19) VCF-style: chr8-6302671-C-T.
Other names: c.1428C>T, p.Phe476= (NM_001172574.2, NM_001322042.2, NM_001363979.1 and 1 more transcripts); c.1284C>T, p.Phe428= (NM_001172575.2); c.1422C>T, p.Phe474= (NM_001322043.2); c.1326C>T, p.Phe442= (NM_001322045.2).
Identifiers: ClinVar variation 96128 (VCV000096128.27), dbSNP rs2920676, ClinGen allele CA149264.